The following is an entry in ClinVar:

ClinVar aggregate classification (germline): Conflicting classifications of pathogenicity. Review status: criteria provided, conflicting classifications (1 of 4 stars). 4 submissions from 4 submitters: Uncertain significance (2); Likely benign (1). 1 of the submissions does not count toward it. Last evaluated 2026-01-28.

Conditions:
Mucolipidosis type IV (ML4). Also called: ML IV. Identifiers: Orphanet 578, MedGen C0238286, MONDO:0009653, OMIM 252650.

Allele frequency attached by ClinVar (database versions not stated): gnomAD 0.00014; gnomAD exomes 0.00015 and 0.00022; ExAC 0.00020; TOPMed 0.00029; ESP Exome Variant Server 0.00038.
gnomAD v4.1: 245 of 1,613,978 alleles (0.015%); highest among the groups gnomAD compares: Non-Finnish European, 0.015%; no homozygotes.

Submissions (4):

Labcorp Genetics (formerly Invitae), Labcorp
Classification: Likely benign for Mucolipidosis type IV. Last evaluated: 2026-01-28. Review status: criteria provided, single submitter. Criteria: Invitae Variant Classification Sherloc (09022015). Collection method: clinical testing. Allele origin: germline.

GeneDx
Classification: Uncertain significance. Last evaluated: 2025-07-02. Review status: criteria provided, single submitter. Criteria: GeneDx Variant Classification Process June 2021. Collection method: clinical testing. Allele origin: germline. Affected: yes.
Comment: In silico analysis suggests that this missense variant does not alter protein structure/function; Has not been previously published as pathogenic or benign to our knowledge

Illumina Laboratory Services, Illumina
Classification: Uncertain significance for Mucolipidosis type IV. Last evaluated: 2018-01-12. Review status: criteria provided, single submitter. Criteria: ICSL Variant Classification Criteria 13 December 2019. Collection method: clinical testing. Allele origin: germline.

Natera, Inc.
Classification: Likely benign for Mucolipidosis IV. Last evaluated: 2019-05-20. Review status: no assertion criteria provided. Collection method: clinical testing. Allele origin: germline. Not counted in ClinVar's aggregate classification.

NM_020533.3(MCOLN1):c.856C>A (p.His286Asn)

Gene: MCOLN1 (mucolipin TRP cation channel 1; plus strand). Cytogenetic location: 19p13.2.
Variant type: single nucleotide variant.
Coding change: c.856C>A on transcript NM_020533.3 (MANE Select); coding-DNA position 856, C replaced by A.
Protein change: p.His286Asn; replaces histidine 286 with asparagine.
Molecular consequence: missense variant.
Genome position (GRCh38, 1-based): chr19:7,528,236, C>A. VCF-style: chr19-7528236-C-A. GRCh37 (hg19) VCF-style: chr19-7593122-C-A.
Other names: short protein forms H286N.
Identifiers: ClinVar variation 828088 (VCV000828088.11), dbSNP rs145191057, ClinGen allele CA9138925.